The following is an entry in ClinVar:

NM_000127.3(EXT1):c.557_558del (p.Asn186fs)

Gene: EXT1 (exostosin glycosyltransferase 1; minus strand). Cytogenetic location: 8q24.11.
Variant type: Deletion.
Coding change: c.557_558del on transcript NM_000127.3 (MANE Select); coding-DNA positions 557 to 558, 2 bases deleted (AT; older notation c.557_558delAT).
Protein change: p.Asn186fs; shifts the reading frame from asparagine 186.
Molecular consequence: frameshift variant.
Genome position (GRCh38, 1-based): chr8:118,110,489-118,110,490, AT deleted on the plus strand (AT on the coding strand, the reverse complement: EXT1 is on the minus strand). VCF-style (leftmost placement, unchanged base first): chr8-118110488-CAT-C. GRCh37 (hg19) VCF-style: chr8-119122727-CAT-C.
Other names: short protein forms N186fs.
Identifiers: ClinVar variation 1068505 (VCV001068505.7), dbSNP rs2130042921, ClinGen allele CA2499219108.

ClinVar aggregate classification (germline): Pathogenic (1 of 4 stars; one submission).

Conditions:
Multiple congenital exostosis (EXT). Also called: Hereditary multiple exostoses; Hereditary multiple exostosis; MULTIPLE CARTILAGINOUS EXOSTOSES; Multiple exostoses; Hereditary multiple osteochondromas; Multiple osteochondromas. Identifiers: Orphanet 321, MedGen C0015306, MONDO:0005508, HP:0002762.

Submission:

Labcorp Genetics (formerly Invitae), Labcorp
Classification: Pathogenic for Multiple congenital exostosis. Last evaluated: 2020-02-20. Review status: criteria provided, single submitter. Criteria: Invitae Variant Classification Sherloc (09022015). Collection method: clinical testing. Allele origin: germline.
Comment: This variant is not present in population databases (ExAC no frequency). This sequence change creates a premature translational stop signal (p.Asn186Argfs*2) in the EXT1 gene. It is expected to result in an absent or disrupted protein product. For these reasons, this variant has been classified as Pathogenic. Loss-of-function variants in EXT1 are known to be pathogenic (PMID: 10679937, 11391482, 19810120). Algorithms developed to predict the effect of sequence changes on RNA splicing suggest that this variant may create or strengthen a splice site, but this prediction has not been confirmed by published transcriptional studies. This variant has not been reported in the literature in individuals with EXT1-related conditions.

Literature cited by the submitters: PubMed 10679937; PubMed 11391482; PubMed 19810120.